The following is an entry in ClinVar:

ClinVar aggregate classification (germline): Uncertain significance. Review status: criteria provided, multiple submitters, no conflicts (2 of 4 stars). 4 submissions from 4 submitters: Uncertain significance (3). 1 of the submissions does not count toward it. Last evaluated 2021-08-30.

Conditions:
Glycogen storage disease, type VII (GSD7). Also called: GSD VII; PFKM DEFICIENCY; TARUI DISEASE; MUSCLE PHOSPHOFRUCTOKINASE DEFICIENCY. Identifiers: Orphanet 371, MedGen C0017926, MONDO:0009295, OMIM 232800.

Allele frequency attached by ClinVar (database versions not stated): ExAC 0.00001; gnomAD exomes 0.00001; TOPMed 0.00007; gnomAD 0.00012.

Submissions (4):

Labcorp Genetics (formerly Invitae), Labcorp
Classification: Uncertain significance for Glycogen storage disease, type VII. Last evaluated: 2021-08-30. Review status: criteria provided, single submitter. Criteria: Invitae Variant Classification Sherloc (09022015). Collection method: clinical testing. Allele origin: germline.
Comment: This sequence change replaces arginine with cysteine at codon 47 of the PFKM protein (p.Arg47Cys). The arginine residue is moderately conserved and there is a large physicochemical difference between arginine and cysteine. This variant is present in population databases (rs774921979, ExAC 0.01%). This variant has not been reported in the literature in individuals affected with PFKM-related conditions. Algorithms developed to predict the effect of missense changes on protein structure and function are either unavailable or do not agree on the potential impact of this missense change (SIFT: "Deleterious"; PolyPhen-2: "Possibly Damaging"; Align-GVGD: "Class C0"). In summary, the available evidence is currently insufficient to determine the role of this variant in disease. Therefore, it has been classified as a Variant of Uncertain Significance.

ARUP Laboratories, Molecular Genetics and Genomics, ARUP Laboratories
Classification: Uncertain significance for Glycogen storage disease, type VII. Last evaluated: 2020-12-11. Review status: criteria provided, single submitter. Criteria: ARUP Molecular Germline Variant Investigation Process 2021. Collection method: clinical testing. Allele origin: germline.

CeGaT Center for Human Genetics Tuebingen
Classification: Uncertain significance. Last evaluated: 2016-06-01. Review status: criteria provided, single submitter. Criteria: CeGaT Center For Human Genetics Tuebingen Variant Classification Criteria Version 2. Collection method: clinical testing. Allele origin: germline. Affected: yes. Observed: 1 variant allele.

Natera, Inc.
Classification: Uncertain significance for Glycogen storage disease type VII. Last evaluated: 2020-03-11. Review status: no assertion criteria provided. Collection method: clinical testing. Allele origin: germline. Not counted in ClinVar's aggregate classification.

NM_000289.6(PFKM):c.139C>T (p.Arg47Cys)

Gene: PFKM (phosphofructokinase, muscle; plus strand). Cytogenetic location: 12q13.11.
Variant type: single nucleotide variant.
Coding change: c.139C>T on transcript NM_000289.6 (MANE Select); coding-DNA position 139, C replaced by T.
Protein change: p.Arg47Cys; replaces arginine 47 with cysteine.
Molecular consequence: missense variant. On other transcripts: non-coding transcript variant (4), intron variant (2).
Genome position (GRCh38, 1-based): chr12:48,130,416, C>T. VCF-style: chr12-48130416-C-T. GRCh37 (hg19) VCF-style: chr12-48524199-C-T.
Other names: c.352C>T, p.Arg118Cys (NM_001166686.2, NM_001354737.1, NM_001354738.1 and 1 more transcripts); c.139C>T, p.Arg47Cys (NM_001166687.2, NM_001166688.2, NM_001354742.2 and 4 more transcripts); c.448C>T, p.Arg150Cys (NM_001354735.1, NM_001354736.1); c.283C>T, p.Arg95Cys (NM_001354740.1); c.163C>T, p.Arg55Cys (NM_001354741.2); c.52C>T, p.Arg18Cys (NM_001354745.2); c.10-900C>T (NM_001354747.2, NM_001354748.2); short protein forms R47C, R55C, R95C, R118C, R150C, R18C.
Identifiers: ClinVar variation 806876 (VCV000806876.54), dbSNP rs774921979, ClinGen allele CA6536894.
Genomic context (GRCh38, chr12:48,130,416, plus strand): 5'-CTTTCAGGTATGAATGCTGCTGTCAGGGCTGTGGTTCGAGTTGGTATCTTCACCGGTGCC[C>T]GTGTCTTCTTTGTCCATGAGGTTGGTTCTGTACTTTGTTCTTCATCATTCTTTCTCTGTC-3'
Protein context (NP_000280.1, residues 37-57): VVRVGIFTGA[Arg47Cys]VFFVHEGYQG